The following is an entry in ClinVar:

ClinVar aggregate classification (germline): Likely benign. Review status: criteria provided, multiple submitters, no conflicts (2 of 4 stars). 7 submissions from 7 submitters: Likely benign (5). 2 of the submissions do not count toward it. Last evaluated 2025-08-24.

Conditions:
Familial thoracic aortic aneurysm and aortic dissection (TAAD). Also called: Thoracic aortic aneurysms and dissections. Identifiers: Orphanet 91387, MedGen C4707243, MONDO:0019625.
Congenital contractural arachnodactyly (CCA). Also called: BEALS SYNDROME; Beals-Hecht syndrome; Arthrogryposis, distal, type 9. Identifiers: Orphanet 115, MedGen C0220668, MONDO:0007363, OMIM 121050.

Allele frequency attached by ClinVar (database versions not stated): gnomAD 0.00001 and 0.00002; ExAC 0.00002; gnomAD exomes 0.00002 and 0.00005; TOPMed 0.00004.
gnomAD v4.1: 81 of 1,613,534 alleles (0.005%); highest among the groups gnomAD compares: Non-Finnish European, 0.0062%; no homozygotes.

Submissions (7):

Labcorp Genetics (formerly Invitae), Labcorp
Classification: Likely benign for Congenital contractural arachnodactyly. Last evaluated: 2025-08-24. Review status: criteria provided, single submitter. Criteria: Invitae Variant Classification Sherloc (09022015). Collection method: clinical testing. Allele origin: germline.

Mayo Clinic Laboratories, Mayo Clinic
Classification: Likely benign. Last evaluated: 2025-07-22. Review status: criteria provided, single submitter. Criteria: ACMG Guidelines, 2015. Collection method: clinical testing. Allele origin: germline. Observed: 1 variant allele.
Comment: BS1, BP4, BP7

Women's Health and Genetics/Laboratory Corporation of America, LabCorp
Classification: Likely benign. Last evaluated: 2023-11-13. Review status: criteria provided, single submitter. Criteria: LabCorp Variant Classification Summary - May 2015. Collection method: clinical testing. Allele origin: germline.

Blueprint Genetics
Classification: Likely benign. Last evaluated: 2022-11-21. Review status: criteria provided, single submitter. Criteria: ACMG Guidelines, 2015. Collection method: clinical testing. Allele origin: germline.

Ambry Genetics
Classification: Likely benign for Familial thoracic aortic aneurysm and aortic dissection. Last evaluated: 2017-05-11. Review status: criteria provided, single submitter. Criteria: Ambry Variant Classification Scheme 2023. Collection method: clinical testing. Allele origin: germline.

Clinical Genetics DNA and cytogenetics Diagnostics Lab, Erasmus MC, Erasmus Medical Center
Classification: Likely benign. Review status: no assertion criteria provided. Collection method: clinical testing. Allele origin: germline. Affected: yes. Study: VKGL Data-share Consensus. Not counted in ClinVar's aggregate classification.

Joint Genome Diagnostic Labs from Nijmegen and Maastricht, Radboudumc and MUMC+
Classification: Likely benign. Review status: no assertion criteria provided. Collection method: clinical testing. Allele origin: germline. Affected: yes. Study: VKGL Data-share Consensus. Not counted in ClinVar's aggregate classification.

NM_001999.4(FBN2):c.1011C>T (p.Thr337=)

Gene: FBN2 (fibrillin 2; minus strand). Cytogenetic location: 5q23.3.
Variant type: single nucleotide variant.
Coding change: c.1011C>T on transcript NM_001999.4 (MANE Select); coding-DNA position 1011, C replaced by T.
Protein change: p.Thr337=; no amino-acid change (threonine 337 retained).
Molecular consequence: synonymous variant.
Genome position (GRCh38, 1-based): chr5:128,408,741, G>A on the plus strand (C>T on the coding strand, the complement: FBN2 is on the minus strand). VCF-style: chr5-128408741-G-A. GRCh37 (hg19) VCF-style: chr5-127744434-G-A.
Other names: p.Thr337=.
Identifiers: ClinVar variation 519856 (VCV000519856.21), dbSNP rs781086796, ClinGen allele CA3395913.